The following is an entry in ClinVar:

NM_015175.3(NBEAL2):c.2233G>A (p.Ala745Thr)

Gene: NBEAL2 (neurobeachin like 2; plus strand). Cytogenetic location: 3p21.31.
Variant type: single nucleotide variant.
Coding change: c.2233G>A on transcript NM_015175.3 (MANE Select); coding-DNA position 2233, G replaced by A.
Protein change: p.Ala745Thr; replaces alanine 745 with threonine.
Molecular consequence: missense variant.
Genome position (GRCh38, 1-based): chr3:46,996,352, G>A. VCF-style: chr3-46996352-G-A. GRCh37 (hg19) VCF-style: chr3-47037842-G-A.
Other names: p.Ala745Thr; c.2131G>A, p.Ala711Thr (NM_001365116.2); short protein forms A745T, A711T.
Identifiers: ClinVar variation 3179006 (VCV003179006.2), dbSNP rs374608720, ClinGen allele CA2360585.

ClinVar aggregate classification (germline): Conflicting classifications of pathogenicity. Review status: criteria provided, conflicting classifications (1 of 4 stars). 2 submissions from 2 submitters: Uncertain significance (1); Likely benign (1). Last evaluated 2025-10-07.

Conditions:
Inborn genetic diseases. Identifiers: MedGen C0950123, MeSH D030342.

Allele frequency attached by ClinVar (database versions not stated): gnomAD exomes 0.00003; gnomAD 0.00001; ESP Exome Variant Server 0.00008; TOPMed 0.00002; ExAC 0.00003.
gnomAD v4.1: 46 of 1,612,226 alleles (0.0029%); highest among the groups gnomAD compares: Admixed American, 0.01%; no homozygotes.

Submissions (2):

Mayo Clinic Laboratories, Mayo Clinic
Classification: Uncertain significance. Last evaluated: 2025-10-07. Review status: criteria provided, single submitter. Criteria: ACMG Guidelines, 2015. Collection method: clinical testing. Allele origin: germline. Observed: 1 variant allele.
Comment: BP4_moderate

Ambry Genetics
Classification: Likely benign for Inborn genetic diseases. Last evaluated: 2024-01-23. Review status: criteria provided, single submitter. Criteria: Ambry Variant Classification Scheme 2023. Collection method: clinical testing. Allele origin: germline.